The following is an entry in ClinVar:

NM_001127464.1:c.5123G>A

Gene: ZNF469 (zinc finger protein 469; plus strand).
Variant type: single nucleotide variant.
Identifiers: ClinVar variation 4209232 (VCV004209232.1).

ClinVar aggregate classification (germline): Uncertain significance (1 of 4 stars; one submission).

Conditions:
Cardiovascular phenotype. Identifiers: MedGen CN230736.

Submission:

Ambry Genetics
Classification: Uncertain significance for Cardiovascular phenotype. Last evaluated: 2025-08-30. Review status: criteria provided, single submitter. Criteria: Ambry Variant Classification Scheme 2023. Collection method: clinical testing. Allele origin: germline.
Comment: The p.G1708E variant (also known as c.5123G>A), located in coding exon 2 of the ZNF469 gene, results from a G to A substitution at nucleotide position 5123. The glycine at codon 1708 is replaced by glutamic acid, an amino acid with similar properties. This amino acid position is conserved. In addition, this alteration is predicted to be tolerated by in silico analysis. Based on the available evidence, the clinical significance of this variant remains unclear.